The following is an entry in ClinVar:

ClinVar aggregate classification (germline): Uncertain significance (1 of 4 stars; one submission).

Conditions:
Nephronophthisis 14 (NPHP14). Identifiers: Orphanet 2318, MedGen C3539071, MONDO:0013916, OMIM 614844.

Allele frequency attached by ClinVar (database versions not stated): gnomAD exomes 0.00001 and 0.00002; ExAC 0.00004.
gnomAD v4.1: 12 of 1,614,210 alleles (0.00074%); highest among the groups gnomAD compares: South Asian, 0.013%; no homozygotes.

Submission:

Labcorp Genetics (formerly Invitae), Labcorp
Classification: Uncertain significance for Nephronophthisis 14. Last evaluated: 2022-01-15. Review status: criteria provided, single submitter. Criteria: Invitae Variant Classification Sherloc (09022015). Collection method: clinical testing. Allele origin: germline.
Comment: In summary, the available evidence is currently insufficient to determine the role of this variant in disease. Therefore, it has been classified as a Variant of Uncertain Significance. Algorithms developed to predict the effect of missense changes on protein structure and function (SIFT, PolyPhen-2, Align-GVGD) all suggest that this variant is likely to be tolerated. ClinVar contains an entry for this variant (Variation ID: 1009563). This variant has not been reported in the literature in individuals affected with ZNF423-related conditions. This variant is present in population databases (rs754607542, gnomAD 0.02%). This sequence change replaces serine, which is neutral and polar, with arginine, which is basic and polar, at codon 623 of the ZNF423 protein (p.Ser623Arg).

NM_001379286.1(ZNF423):c.1891A>C (p.Ser631Arg)

Gene: ZNF423 (zinc finger protein 423; minus strand). Cytogenetic location: 16q12.1.
Variant type: single nucleotide variant.
Coding change: c.1891A>C on transcript NM_001379286.1 (MANE Select); coding-DNA position 1891, A replaced by C.
Protein change: p.Ser631Arg; replaces serine 631 with arginine.
Molecular consequence: missense variant.
Genome position (GRCh38, 1-based): chr16:49,637,285, T>G on the plus strand (A>C on the coding strand, the complement: ZNF423 is on the minus strand). VCF-style: chr16-49637285-T-G. GRCh37 (hg19) VCF-style: chr16-49671196-T-G.
Other names: c.1687A>C, p.Ser563Arg (NM_001271620.2); c.1516A>C, p.Ser506Arg (NM_001330533.2); c.1867A>C, p.Ser623Arg (NM_015069.5); short protein forms S506R, S563R, S623R, S631R.
Identifiers: ClinVar variation 1009563 (VCV001009563.8), dbSNP rs754607542, ClinGen allele CA8046606.